The following is an entry in ClinVar:

NM_001080.3(ALDH5A1):c.668G>A (p.Cys223Tyr)

Gene: ALDH5A1 (aldehyde dehydrogenase 5 family member A1; plus strand). Cytogenetic location: 6p22.3.
Variant type: single nucleotide variant.
Coding change: c.668G>A on transcript NM_001080.3 (MANE Select); coding-DNA position 668, G replaced by A.
Protein change: p.Cys223Tyr; replaces cysteine 223 with tyrosine.
Molecular consequence: missense variant.
Genome position (GRCh38, 1-based): chr6:24,504,927, G>A. VCF-style: chr6-24504927-G-A. GRCh37 (hg19) VCF-style: chr6-24505155-G-A.
Other names: c.668G>A, p.Cys223Tyr (NM_001368954.1, NM_170740.1); short protein forms C223Y.
Identifiers: ClinVar variation 449409 (VCV000449409.9), dbSNP rs72552282, ClinGen allele CA136128330.

ClinVar aggregate classification (germline): Pathogenic. Review status: criteria provided, multiple submitters, no conflicts (2 of 4 stars). 2 submissions from 2 submitters: Pathogenic (2). Last evaluated 2025-10-17.

Conditions:
Succinate-semialdehyde dehydrogenase deficiency (SSADHD). Also called: SSADH DEFICIENCY; GABA METABOLIC DEFECT; 4-HYDROXYBUTYRIC ACIDURIA; Succinic Semialdehyde Dehydrogenase Deficiency. Identifiers: Orphanet 22, MedGen C0268631, MONDO:0010083, OMIM 271980.

Allele frequency attached by ClinVar (database versions not stated): gnomAD exomes below 0.00001; TOPMed 0.00002.

Submissions (2):

GeneDx
Classification: Pathogenic. Last evaluated: 2025-10-17. Review status: criteria provided, single submitter. Criteria: GeneDx Variant Classification Process June 2021. Collection method: clinical testing. Allele origin: germline. Affected: yes.
Comment: Published functional studies demonstrate a damaging effect as C223Y showed almost complete loss of enzyme activity compared to wild type (PMID: 14635103); In silico analysis supports that this missense variant has a deleterious effect on protein structure/function; Not observed at significant frequency in large population cohorts (gnomAD); This variant is associated with the following publications: (PMID: 25558043, 14635103, 33203024, 32402538, 32093054, 31589614, 39011401)

Elsea Laboratory, Baylor College of Medicine
Classification: Pathogenic for Succinate-semialdehyde dehydrogenase deficiency. Last evaluated: 2021-03-08. Review status: criteria provided, single submitter. Criteria: Martin et al. (J Child Neurol. 2021). Collection method: curation. Allele origin: germline. Affected: yes.
Comment: enzyme activity ~5%;NAD binding domain

Literature cited by the submitters: PubMed 14635103 (cited by Elsea Laboratory, Baylor College of Medicine); PubMed 33203024 (cited by Elsea Laboratory, Baylor College of Medicine).